The following is an entry in ClinVar:

NM_003803.4(MYOM1):c.5040_5041inv (p.Gly1681Ser)

Gene: MYOM1 (myomesin 1; minus strand). Cytogenetic location: 18p11.31.
Variant type: Inversion.
Coding change: c.5040_5041inv on transcript NM_003803.4 (MANE Select).
Protein change: p.Gly1681Ser; replaces glycine 1681 with serine.
Molecular consequence: missense variant.
Genome position: GRCh38 VCF-style: chr18-3067279-CA-TG. GRCh37 (hg19) VCF-style: chr18-3067277-CA-TG.
Other names: c.4752_4753inv, p.Gly1585Ser (NM_019856.2); short protein forms G1585S, G1681S.
Identifiers: ClinVar variation 1482930 (VCV001482930.6), ClinGen allele CA2573155062.
Genomic context (GRCh38, chr18:3,067,279, plus strand): 5'-CACCCAAGTCACACAGGCCGGCTGGCTCTCCTCGCACCTCCGGTCACTTGGCCTTCTTGC[CA>TG]CCTTTCAGGGACTCCAAGGCGGCCATCCTCGCCTCCTCCTCTGGGATGAACACGCTGACG-3'
Protein context (NP_003794.3, residues 1671-1685): RMAALESLKG[Gly1681Ser]KKAK

ClinVar aggregate classification (germline): Uncertain significance (1 of 4 stars; one submission).

Conditions:
Hypertrophic cardiomyopathy. Also called: HYPERTROPHIC MYOCARDIOPATHY. Identifiers: Orphanet 217569, MedGen C0007194, MeSH D002312, MONDO:0005045, HP:0001639.

Submission:

Labcorp Genetics (formerly Invitae), Labcorp
Classification: Uncertain significance for Hypertrophic cardiomyopathy. Last evaluated: 2025-10-19. Review status: criteria provided, single submitter. Criteria: Invitae Variant Classification Sherloc (09022015). Collection method: clinical testing. Allele origin: germline.
Comment: This sequence change replaces glycine, which is neutral and non-polar, with serine, which is neutral and polar, at codon 1681 of the MYOM1 protein (p.Gly1681Ser). Information on the frequency of this variant in the gnomAD database is not available, as this variant may be reported differently in the database. This variant has not been reported in the literature in individuals affected with MYOM1-related conditions. ClinVar contains an entry for this variant (Variation ID: 1482930). Experimental studies and prediction algorithms are not available or were not evaluated, and the functional significance of this variant is currently unknown. In summary, the available evidence is currently insufficient to determine the role of this variant in disease. Therefore, it has been classified as a Variant of Uncertain Significance.